The following is an entry in ClinVar:

NM_001376.5(DYNC1H1):c.13006+3A>G

Gene: DYNC1H1 (dynein cytoplasmic 1 heavy chain 1; plus strand). Cytogenetic location: 14q32.31.
Variant type: single nucleotide variant.
Coding change: c.13006+3A>G on transcript NM_001376.5 (MANE Select); 3 bases into the intron after coding-DNA position 13006, A replaced by G.
Molecular consequence: intron variant.
Genome position (GRCh38, 1-based): chr14:102,044,701, A>G. VCF-style: chr14-102044701-A-G. GRCh37 (hg19) VCF-style: chr14-102511038-A-G.
Identifiers: ClinVar variation 3615970 (VCV003615970.3).

ClinVar aggregate classification (germline): Uncertain significance. Review status: criteria provided, multiple submitters, no conflicts (2 of 4 stars). 2 submissions from 2 submitters: Uncertain significance (2). Last evaluated 2026-08-06.

Conditions:
Adult onset hereditary spastic paraplegia.
Charcot-Marie-Tooth disease axonal type 2O. Also called: CHARCOT-MARIE-TOOTH NEUROPATHY, AXONAL, TYPE 2O; CHARCOT-MARIE-TOOTH DISEASE, AXONAL, AUTOSOMAL DOMINANT, TYPE 2O; Charcot-Marie-Tooth Neuropathy Type 2O; Charcot-Marie-Tooth disease, axonal, type 20. Identifiers: Orphanet 284232, MedGen C3280220, MONDO:0013644, OMIM 614228.

Submissions (2):

NHS Central & South Genomic Laboratory Hub
Classification: Uncertain significance for Adult onset hereditary spastic paraplegia. Last evaluated: 2026-08-06. Review status: criteria provided, single submitter. Criteria: ACMG Guidelines, 2015. Collection method: clinical testing. Allele origin: germline. Affected: yes.

Labcorp Genetics (formerly Invitae), Labcorp
Classification: Uncertain significance for Charcot-Marie-Tooth disease axonal type 2O. Last evaluated: 2024-05-05. Review status: criteria provided, single submitter. Criteria: Invitae Variant Classification Sherloc (09022015). Collection method: clinical testing. Allele origin: germline.
Comment: This sequence change falls in intron 72 of the DYNC1H1 gene. It does not directly change the encoded amino acid sequence of the DYNC1H1 protein. It affects a nucleotide within the consensus splice site. This variant is not present in population databases (gnomAD no frequency). This variant has not been reported in the literature in individuals affected with DYNC1H1-related conditions. Variants that disrupt the consensus splice site are a relatively common cause of aberrant splicing (PMID: 17576681, 9536098). Algorithms developed to predict the effect of sequence changes on RNA splicing suggest that this variant may disrupt the consensus splice site. In summary, the available evidence is currently insufficient to determine the role of this variant in disease. Therefore, it has been classified as a Variant of Uncertain Significance.

Literature cited by the submitters: PubMed 17576681 (cited by Labcorp Genetics (formerly Invitae), Labcorp); PubMed 9536098 (cited by Labcorp Genetics (formerly Invitae), Labcorp).